The following is an entry in ClinVar:

NM_001134232.2(TMEM106B):c.797A>G (p.Tyr266Cys)

Gene: TMEM106B (transmembrane protein 106B; plus strand). Cytogenetic location: 7p21.3.
Variant type: single nucleotide variant.
Coding change: c.797A>G on transcript NM_001134232.2 (MANE Select); coding-DNA position 797, A replaced by G.
Protein change: p.Tyr266Cys; replaces tyrosine 266 with cysteine.
Molecular consequence: missense variant.
Genome position (GRCh38, 1-based): chr7:12,231,947, A>G. VCF-style: chr7-12231947-A-G. GRCh37 (hg19) VCF-style: chr7-12271573-A-G.
Other names: c.797A>G, p.Tyr266Cys (NM_018374.4); short protein forms Y266C.
Identifiers: ClinVar variation 1948820 (VCV001948820.5), dbSNP rs764463455, ClinGen allele CA4165233.
Genomic context (GRCh38, chr7:12,231,947, plus strand): 5'-AGAGGTATCAGTATGTCGACTGTGGAAGAAACACAACTTATCAGTTGGGGCAGTCTGAAT[A>G]TTTAAATGTACTTCAGCCACAACAGTAAAAACTGGAAGAGATGGATTTAAAGAAGAAATA-3'
Protein context (NP_001127704.1, residues 256-274): NTTYQLGQSE[Tyr266Cys]LNVLQPQQ

ClinVar aggregate classification (germline): Uncertain significance (1 of 4 stars; one submission).

Allele frequency attached by ClinVar (database versions not stated): gnomAD exomes 0.00001; TOPMed 0.00001; ExAC 0.00003.
gnomAD v4.1: 6 of 1,612,072 alleles (0.00037%); highest among the groups gnomAD compares: Admixed American, 0.01%; no homozygotes.

Submission:

Labcorp Genetics (formerly Invitae), Labcorp
Classification: Uncertain significance. Last evaluated: 2024-03-30. Review status: criteria provided, single submitter. Criteria: Invitae Variant Classification Sherloc (09022015). Collection method: clinical testing. Allele origin: germline.
Comment: This sequence change replaces tyrosine, which is neutral and polar, with cysteine, which is neutral and slightly polar, at codon 266 of the TMEM106B protein (p.Tyr266Cys). This variant is present in population databases (rs764463455, gnomAD 0.01%). This variant has not been reported in the literature in individuals affected with TMEM106B-related conditions. ClinVar contains an entry for this variant (Variation ID: 1948820). An algorithm developed to predict the effect of missense changes on protein structure and function (PolyPhen-2) suggests that this variant is likely to be tolerated. In summary, the available evidence is currently insufficient to determine the role of this variant in disease. Therefore, it has been classified as a Variant of Uncertain Significance.